The following is an entry in ClinVar:

ClinVar aggregate classification (germline): Likely benign. Review status: criteria provided, multiple submitters, no conflicts (2 of 4 stars). 2 submissions from 2 submitters: Likely benign (2). Last evaluated 2025-11-11.

Conditions:
Tuberous sclerosis 2 (TSC2). Identifiers: Orphanet 805, MedGen C1860707, MONDO:0013199, OMIM 613254.

Submissions (2):

Labcorp Genetics (formerly Invitae), Labcorp
Classification: Likely benign for Tuberous sclerosis 2. Last evaluated: 2025-11-11. Review status: criteria provided, single submitter. Criteria: Invitae Variant Classification Sherloc (09022015). Collection method: clinical testing. Allele origin: germline.

Myriad Genetics, Inc.
Classification: Likely benign for Tuberous sclerosis 2. Last evaluated: 2025-05-15. Review status: criteria provided, single submitter. Criteria: Myriad Autosomal Dominant, Autosomal Recessive and X-Linked Classification Criteria (2023). Collection method: clinical testing. Allele origin: unknown.
Comment: This variant is considered likely benign. This variant is intronic and is not expected to impact mRNA splicing.

NM_000548.5(TSC2):c.1717-19C>T

Gene: TSC2 (TSC complex subunit 2; plus strand). Cytogenetic location: 16p13.3.
Variant type: single nucleotide variant.
Coding change: c.1717-19C>T on transcript NM_000548.5 (MANE Select); 19 bases into the intron before coding-DNA position 1717, C replaced by T.
Molecular consequence: intron variant.
Genome position (GRCh38, 1-based): chr16:2,070,437, C>T. VCF-style: chr16-2070437-C-T. GRCh37 (hg19) VCF-style: chr16-2120438-C-T.
Other names: c.1717-19C>T (NM_001114382.3, NM_021055.3, NM_001370405.1 and 3 more transcripts); c.1606-19C>T (NM_001318827.2); c.1117-19C>T (NM_001318831.2); c.1570-19C>T (NM_001318829.2); c.1750-19C>T (NM_001318832.2).
Identifiers: ClinVar variation 1569540 (VCV001569540.9), dbSNP rs2151277025, ClinGen allele CA2573151509.
Genomic context (GRCh38, chr16:2,070,437, plus strand): 5'-CTGCTCCGGGACAAGGGTGCTGTCTTAGGACTGCGTTTTCACCTCCTGCGCCGTGGTGAG[C>T]TGCGTCCTCTCTCTGCAGACCAAGCTGTACACCCTGCCTGCAAGCCACGCCACGCGTGTG-3'